The following is an entry in ClinVar:

NM_005896.4(IDH1):c.904A>G (p.Thr302Ala)

Gene: IDH1 (isocitrate dehydrogenase (NADP(+)) 1; minus strand). Cytogenetic location: 2q34.
Variant type: single nucleotide variant.
Coding change: c.904A>G on transcript NM_005896.4 (MANE Select); coding-DNA position 904, A replaced by G.
Protein change: p.Thr302Ala; replaces threonine 302 with alanine.
Molecular consequence: missense variant.
Genome position (GRCh38, 1-based): chr2:208,239,950, T>C on the plus strand (A>G on the coding strand, the complement: IDH1 is on the minus strand). VCF-style: chr2-208239950-T-C. GRCh37 (hg19) VCF-style: chr2-209104674-T-C.
Other names: c.904A>G, p.Thr302Ala (NM_001282386.1, NM_001282387.1); short protein forms T302A.
Identifiers: ClinVar variation 1765589 (VCV001765589.2), dbSNP rs1050004267, ClinGen allele CA350095332.

ClinVar aggregate classification (germline): Uncertain significance (1 of 4 stars; one submission).

Allele frequency attached by ClinVar (database versions not stated): gnomAD exomes below 0.00001.
gnomAD v4.1: 2 of 1,614,046 alleles (0.00012%); highest among the groups gnomAD compares: Non-Finnish European, 0.00017%; no homozygotes.

Submission:

Ambry Genetics
Classification: Uncertain significance. Last evaluated: 2024-02-24. Review status: criteria provided, single submitter. Criteria: Ambry Variant Classification Scheme 2023. Collection method: clinical testing. Allele origin: germline.
Comment: The p.T302A variant (also known as c.904A>G), located in coding exon 6 of the IDH1 gene, results from an A to G substitution at nucleotide position 904. The threonine at codon 302 is replaced by alanine, an amino acid with similar properties. This amino acid position is conserved. In addition, this alteration is predicted to be deleterious by in silico analysis. Since supporting evidence is limited at this time, the clinical significance of this alteration remains unclear.